The following is an entry in ClinVar:

NM_001378454.1(ALMS1):c.9509A>G (p.Asn3170Ser)

Gene: ALMS1 (ALMS1 centrosome and basal body associated protein; plus strand). Cytogenetic location: 2p13.1.
Variant type: single nucleotide variant.
Coding change: c.9509A>G on transcript NM_001378454.1 (MANE Select); coding-DNA position 9509, A replaced by G.
Protein change: p.Asn3170Ser; replaces asparagine 3170 with serine.
Molecular consequence: missense variant.
Genome position (GRCh38, 1-based): chr2:73,491,468, A>G. VCF-style: chr2-73491468-A-G. GRCh37 (hg19) VCF-style: chr2-73718595-A-G.
Other names: c.9512A>G, p.Asn3171Ser (NM_015120.4); short protein forms N3170S, N3171S.
Identifiers: ClinVar variation 1006274 (VCV001006274.8), dbSNP rs1396386580, ClinGen allele CA347275472.

ClinVar aggregate classification (germline): Uncertain significance. Review status: criteria provided, multiple submitters, no conflicts (2 of 4 stars). 3 submissions from 3 submitters: Uncertain significance (2). 1 of the submissions does not count toward it. Last evaluated 2023-03-29.

Conditions:
Alstrom syndrome (ALMS). Identifiers: Orphanet 64, MedGen C0268425, MONDO:0008763, OMIM 203800.

Allele frequency attached by ClinVar (database versions not stated): TOPMed below 0.00001; gnomAD exomes 0.00001.
gnomAD v4.1: 21 of 1,614,084 alleles (0.0013%); highest among the groups gnomAD compares: Admixed American, 0.0033%; no homozygotes.

Submissions (3):

GeneDx
Classification: Uncertain significance. Last evaluated: 2023-03-29. Review status: criteria provided, single submitter. Criteria: GeneDx Variant Classification Process June 2021. Collection method: clinical testing. Allele origin: germline. Affected: yes.
Comment: Not observed at significant frequency in large population cohorts (gnomAD); In silico analysis supports that this missense variant does not alter protein structure/function; Has not been previously published as pathogenic or benign to our knowledge

Labcorp Genetics (formerly Invitae), Labcorp
Classification: Uncertain significance for Alstrom syndrome. Last evaluated: 2022-04-17. Review status: criteria provided, single submitter. Criteria: Invitae Variant Classification Sherloc (09022015). Collection method: clinical testing. Allele origin: germline.
Comment: This sequence change replaces asparagine, which is neutral and polar, with serine, which is neutral and polar, at codon 3171 of the ALMS1 protein (p.Asn3171Ser). This variant is present in population databases (no rsID available, gnomAD 0.003%). This variant has not been reported in the literature in individuals affected with ALMS1-related conditions. ClinVar contains an entry for this variant (Variation ID: 1006274). Experimental studies and prediction algorithms are not available or were not evaluated, and the functional significance of this variant is currently unknown. In summary, the available evidence is currently insufficient to determine the role of this variant in disease. Therefore, it has been classified as a Variant of Uncertain Significance.

Natera, Inc.
Classification: Uncertain significance for Alstrom syndrome. Last evaluated: 2020-04-23. Review status: no assertion criteria provided. Collection method: clinical testing. Allele origin: germline. Not counted in ClinVar's aggregate classification.